The following is an entry in ClinVar:

ClinVar aggregate classification (germline): Uncertain significance. Review status: criteria provided, multiple submitters, no conflicts (2 of 4 stars). 2 submissions from 2 submitters: Uncertain significance (2). Last evaluated 2025-09-10.

Conditions:
Hereditary nonpolyposis colorectal neoplasms. Identifiers: MedGen C0009405, MeSH D003123.
Hereditary cancer-predisposing syndrome. Also called: Neoplastic Syndromes, Hereditary; Tumor predisposition; Hereditary Cancer Syndrome; Hereditary neoplastic syndrome. Identifiers: Orphanet 140162, MedGen C0027672, MeSH D009386, MONDO:0015356.

Submissions (2):

Ambry Genetics
Classification: Uncertain significance for Hereditary cancer-predisposing syndrome. Last evaluated: 2025-09-10. Review status: criteria provided, single submitter. Criteria: Ambry Variant Classification Scheme 2023. Collection method: clinical testing. Allele origin: germline.
Comment: The p.I944T variant (also known as c.2831T>C), located in coding exon 4 of the MSH6 gene, results from a T to C substitution at nucleotide position 2831. The isoleucine at codon 944 is replaced by threonine, an amino acid with similar properties. This amino acid position is conserved. In addition, this alteration is predicted to be deleterious by in silico analysis. Based on the available evidence, the clinical significance of this variant remains unclear.

Labcorp Genetics (formerly Invitae), Labcorp
Classification: Uncertain significance for Hereditary nonpolyposis colorectal neoplasms. Last evaluated: 2024-06-21. Review status: criteria provided, single submitter. Criteria: Invitae Variant Classification Sherloc (09022015). Collection method: clinical testing. Allele origin: germline.
Comment: This sequence change replaces isoleucine, which is neutral and non-polar, with threonine, which is neutral and polar, at codon 944 of the MSH6 protein (p.Ile944Thr). This variant is not present in population databases (gnomAD no frequency). This variant has not been reported in the literature in individuals affected with MSH6-related conditions. Advanced modeling of protein sequence and biophysical properties (such as structural, functional, and spatial information, amino acid conservation, physicochemical variation, residue mobility, and thermodynamic stability) has been performed at Invitae for this missense variant, however the output from this modeling did not meet the statistical confidence thresholds required to predict the impact of this variant on MSH6 protein function. In summary, the available evidence is currently insufficient to determine the role of this variant in disease. Therefore, it has been classified as a Variant of Uncertain Significance.

NM_000179.3(MSH6):c.2831T>C (p.Ile944Thr)

Gene: MSH6 (mutS homolog 6; plus strand). Cytogenetic location: 2p16.3.
Variant type: single nucleotide variant.
Coding change: c.2831T>C on transcript NM_000179.3 (MANE Select); coding-DNA position 2831, T replaced by C.
Protein change: p.Ile944Thr; replaces isoleucine 944 with threonine.
Molecular consequence: missense variant. On other transcripts: non-coding transcript variant (5), intron variant (2).
Genome position (GRCh38, 1-based): chr2:47,800,814, T>C. VCF-style: chr2-47800814-T-C. GRCh37 (hg19) VCF-style: chr2-48027953-T-C.
Other names: c.2831T>C, p.Ile944Thr (NM_001406798.1, NM_001406800.1, NM_001406808.1 and 2 more transcripts); c.2306T>C, p.Ile769Thr (NM_001406799.1, NM_001406806.1, NM_001406807.1); c.2534T>C, p.Ile845Thr (NM_001406801.1, NM_001406805.1, NM_001406818.1 and 10 more transcripts); c.2927T>C, p.Ile976Thr (NM_001406802.1, NM_001406795.1); c.2753T>C, p.Ile918Thr (NM_001406804.1); c.1925T>C, p.Ile642Thr (NM_001406811.1, NM_001406812.1, NM_001406814.1 and 6 more transcripts); c.2837T>C, p.Ile946Thr (NM_001406813.1); c.2663T>C, p.Ile888Thr (NM_001406826.1); and 4 more; short protein forms I845T, I642T, I918T, I259T, I769T, I946T, I976T, I814T.
Identifiers: ClinVar variation 3633959 (VCV003633959.3).
Genomic context (GRCh38, chr2:47,800,814, plus strand): 5'-CTGGACTTATTACTCCCAAAGCAGGCTTTGACTCTGATTATGACCAAGCTCTTGCTGACA[T>C]AAGAGAAAATGAACAGAGCCTCCTGGAATACCTAGAGAAACAGCGCAACAGAATTGGCTG-3'
Protein context (NP_000170.1, residues 934-954): DSDYDQALAD[Ile944Thr]RENEQSLLEY